The following is an entry in ClinVar:

NM_000474.4(TWIST1):c.274_279dup (p.Ser93_Ser94insGlySer)

Gene: TWIST1 (twist family bHLH transcription factor 1; minus strand). Cytogenetic location: 7p21.1.
Variant type: Duplication.
Coding change: c.274_279dup on transcript NM_000474.4 (MANE Select); coding-DNA positions 274 to 279, 6 bases duplicated (GGCAGC; older notation c.274_279dupGGCAGC).
Protein change: p.Ser93_Ser94insGlySer.
Molecular consequence: non-coding transcript variant (on NR_149001.2).
Genome position (GRCh38, 1-based): chr7:19,117,043-19,117,048, GCTGCC duplicated on the plus strand (GGCAGC on the coding strand, the reverse complement: TWIST1 is on the minus strand); duplicating any 6 consecutive bases within chr7:19,117,043-19,117,050 gives the same sequence; the c. name uses the placement nearest the transcript's 3' end. VCF-style (leftmost placement, unchanged base first): chr7-19117042-T-TGCTGCC. GRCh37 (hg19) VCF-style: chr7-19156665-T-TGCTGCC.
Other names: c.274_279dupGGCAGC (NM_000474.4).
Identifiers: ClinVar variation 3375321 (VCV003375321.1).

ClinVar aggregate classification (germline): Uncertain significance (1 of 4 stars; one submission).

Submission:

Women's Health and Genetics/Laboratory Corporation of America, LabCorp
Classification: Uncertain significance. Last evaluated: 2024-09-23. Review status: criteria provided, single submitter. Criteria: LabCorp Variant Classification Summary - May 2015. Collection method: clinical testing. Allele origin: germline.
Comment: Variant summary: TWIST1 c.274_279dupGGCAGC (p.Gly92_Ser93dup) results in an in-frame duplication that is predicted to duplicate two amino acids into the encoded protein. The variant allele was found at a frequency of 1.2e-05 in 1453888 control chromosomes, predominantly at a frequency of 0.00029 within the Non-Finnish European subpopulation in the gnomAD database. This frequency is not significantly higher than estimated for a pathogenic variant in TWIST1 causing TWIST1-Related Disorders, allowing no conclusion about variant significance. To our knowledge, no occurrence of c.274_279dupGGCAGC in individuals affected with TWIST1-Related Disorders and no experimental evidence demonstrating its impact on protein function have been reported. No submitters have cited clinical-significance assessments for this variant to ClinVar. Based on the evidence outlined above, the variant was classified as uncertain significance.